The following is an entry in ClinVar:

ClinVar aggregate classification (germline): Conflicting classifications of pathogenicity. Review status: criteria provided, conflicting classifications (1 of 4 stars). 3 submissions from 3 submitters: Likely pathogenic (1); Uncertain significance (2). Last evaluated 2025-08-05.

Conditions:
CFTR-related disorder (CFTR-RD). Also called: CFTR-related disorders; CFTR-related condition. Identifiers: MedGen C5924204, MONDO:7770004.
Bronchiectasis with or without elevated sweat chloride 1 (BESC1). Also called: Cystic Fibrosis-Like Syndrome. Identifiers: Orphanet 60033, MedGen C2749757, MONDO:0008887, OMIM 211400.
Cystic fibrosis (CF). Also called: MUCOVISCIDOSIS. Identifiers: Orphanet 586, MedGen C0010674, MONDO:0009061, OMIM 219700. Disease mechanism: loss of function.
Hereditary pancreatitis (PCTT). Also called: Hereditary chronic pancreatitis; PRSS1-Related Hereditary Pancreatitis. Identifiers: Orphanet 676, MedGen C0238339, MONDO:0008185, OMIM 167800.
Congenital bilateral aplasia of vas deferens from CFTR mutation (CBAVD). Identifiers: Orphanet 48, MedGen C0403814, MONDO:0010178, OMIM 277180. Disease mechanism: loss of function.

Allele frequency attached by ClinVar (database versions not stated): TOPMed below 0.00001.

Submissions (3):

Natera, Inc.
Classification: Likely pathogenic for CFTR-related disorders. Last evaluated: 2025-08-05. Review status: criteria provided, single submitter. Criteria: Natera Variant Classification Schema (03/2026). Collection method: clinical testing. Allele origin: germline.
Comment: The c.298C>T variant in CFTR is a missense variant predicted to cause substitution of leucine to phenylalanine at amino acid 100. This variant is rare in the general population with a frequency below the threshold expected for the associated phenotype(s). This variant has been observed in one or more individuals affected with the associated recessive disease, as either homozygous or compound heterozygous with a second variant (PMID: 35858753). This variant has been identified in one or more affected individuals with a phenotype highly consistent with the associated gene (PMID: 35858753). Computational prediction algorithms indicate this variant is likely to affect gene or protein function. Given the available evidence, this variant is classified as Likely Pathogenic.

Ambry Genetics
Classification: Uncertain significance for Cystic fibrosis. Last evaluated: 2022-06-03. Review status: criteria provided, single submitter. Criteria: Ambry Variant Classification Scheme 2023. Collection method: clinical testing. Allele origin: germline.
Comment: The p.L100F variant (also known as c.298C>T), located in coding exon 4 of the CFTR gene, results from a C to T substitution at nucleotide position 298. The leucine at codon 100 is replaced by phenylalanine, an amino acid with highly similar properties. This amino acid position is well conserved in available vertebrate species. In addition, the in silico prediction for this alteration is inconclusive. Since supporting evidence is limited at this time, the clinical significance of this alteration remains unclear.

Juno Genomics, Hangzhou Juno Genomics, Inc
Classification: Uncertain significance for Bronchiectasis with or without elevated sweat chloride 1; Hereditary pancreatitis; Congenital bilateral aplasia of vas deferens from CFTR mutation; Cystic fibrosis. Review status: criteria provided, single submitter. Criteria: ACMG Guidelines, 2015. Collection method: clinical testing. Allele origin: germline.
Comment: Absent from controls (or at extremely low frequency if recessive) in Genome Aggregation Database.;Multiple lines of computational evidence support a deleterious effect on the gene or gene product.;For recessive disorders, detected in trans with a pathogenic variant.

Literature cited by the submitters: PubMed 35858753 (cited by Natera, Inc.).

NM_000492.4(CFTR):c.298C>T (p.Leu100Phe)

Gene: CFTR (CF transmembrane conductance regulator; plus strand). Cytogenetic location: 7q31.2.
Variant type: single nucleotide variant.
Coding change: c.298C>T on transcript NM_000492.4 (MANE Select); coding-DNA position 298, C replaced by T.
Protein change: p.Leu100Phe; replaces leucine 100 with phenylalanine.
Molecular consequence: missense variant.
Genome position (GRCh38, 1-based): chr7:117,530,923, C>T. VCF-style: chr7-117530923-C-T. GRCh37 (hg19) VCF-style: chr7-117170977-C-T.
Other names: short protein forms L100F.
Identifiers: ClinVar variation 1798499 (VCV001798499.7), dbSNP rs375543675, ClinGen allele CA368974272.